The following is an entry in ClinVar:

ClinVar aggregate classification (germline): Uncertain significance (1 of 4 stars; one submission).

Conditions:
Neurodevelopmental disorder with hypotonia, brain anomalies, distinctive facies, and absent language. Also called: ReNU SYNDROME; RNU4-2–Related Autosomal Dominant Neurodevelopmental Disorder; RNU4-2-Related Neurodevelopmental Disorder. Identifiers: Orphanet 686488, MedGen C5935628, MONDO:0971172, OMIM 620851.

Submission:

Centre for Population Genomics, CPG
Classification: Uncertain significance for RNU4-2-Related Neurodevelopmental Disorder. Last evaluated: 2026-02-11. Review status: criteria provided, single submitter. Criteria: Ellingford et al. (Genome Med. 2022). Collection method: research. Allele origin: germline. Inheritance: Autosomal recessive inheritance. Affected: yes. Observed: 2 variant alleles, 2 compound heterozygotes.
Comment: PM2_supp,PP4

NR_003137.3(RNU4-2):n.127_128del

Gene: RNU4-2 (RNA, U4 small nuclear 2; minus strand). Cytogenetic location: 12q24.23.
Variant type: Deletion.
Molecular consequence: non-coding transcript variant (on NR_003137.3).
Genome position: GRCh38 VCF-style: chr12-120291775-CTG-C. GRCh37 (hg19) VCF-style: chr12-120729578-CTG-C.
Identifiers: ClinVar variation 4795827 (VCV004795827.1).